The following is an entry in ClinVar:

ClinVar aggregate classification (germline): Uncertain significance. Review status: criteria provided, multiple submitters, no conflicts (2 of 4 stars). 2 submissions from 2 submitters: Uncertain significance (2). Last evaluated 2026-01-19.

Conditions:
Inborn genetic diseases. Identifiers: MedGen C0950123, MeSH D030342.

Allele frequency attached by ClinVar (database versions not stated): ExAC 0.00002.
gnomAD v4.1: 7 of 1,614,054 alleles (0.00043%); highest among the groups gnomAD compares: Admixed American, 0.0033%; no homozygotes.

Submissions (2):

Labcorp Genetics (formerly Invitae), Labcorp
Classification: Uncertain significance. Last evaluated: 2026-01-19. Review status: criteria provided, single submitter. Criteria: Invitae Variant Classification Sherloc (09022015). Collection method: clinical testing. Allele origin: germline.
Comment: This sequence change replaces asparagine, which is neutral and polar, with serine, which is neutral and polar, at codon 556 of the LAMA1 protein (p.Asn556Ser). This variant is present in population databases (rs769432829, gnomAD 0.002%). This variant has not been reported in the literature in individuals affected with LAMA1-related conditions. ClinVar contains an entry for this variant (Variation ID: 2109440). An algorithm developed to predict the effect of missense changes on protein structure and function outputs the following: PolyPhen-2: "Benign". The serine amino acid residue is found in multiple mammalian species, which suggests that this missense change does not adversely affect protein function. In summary, the available evidence is currently insufficient to determine the role of this variant in disease. Therefore, it has been classified as a Variant of Uncertain Significance.

Ambry Genetics
Classification: Uncertain significance for Inborn genetic diseases. Last evaluated: 2024-08-21. Review status: criteria provided, single submitter. Criteria: Ambry Variant Classification Scheme 2023. Collection method: clinical testing. Allele origin: germline.

NM_005559.4(LAMA1):c.1667A>G (p.Asn556Ser)

Gene: LAMA1 (laminin subunit alpha 1; minus strand). Cytogenetic location: 18p11.31.
Variant type: single nucleotide variant.
Coding change: c.1667A>G on transcript NM_005559.4 (MANE Select); coding-DNA position 1667, A replaced by G.
Protein change: p.Asn556Ser; replaces asparagine 556 with serine.
Molecular consequence: missense variant.
Genome position (GRCh38, 1-based): chr18:7,037,648, T>C on the plus strand (A>G on the coding strand, the complement: LAMA1 is on the minus strand). VCF-style: chr18-7037648-T-C. GRCh37 (hg19) VCF-style: chr18-7037647-T-C.
Other names: c.1667A>G (NM_005559.3); short protein forms N556S.
Identifiers: ClinVar variation 2109440 (VCV002109440.5), dbSNP rs769432829, ClinGen allele CA8882925.
Genomic context (GRCh38, chr18:7,037,648, plus strand): 5'-AGGTAGGCCTCGGGGGCTGCCCAGTAGTACTTGGGAGCCAGTCTCTGCATGACCGCGGTG[T>C]TGTTGATGCTGACCTGATGGCGCCCGCCTAGTGCATCTTGCTGAGACGGGATCTTCCTGG-3'
Protein context (NP_005550.2, residues 546-566): LGGRHQVSIN[Asn556Ser]TAVMQRLAPK